The following is an entry in ClinVar:

NM_003620.4(PPM1D):c.356A>G (p.His119Arg)

Gene: PPM1D (protein phosphatase, Mg2+/Mn2+ dependent 1D; plus strand). Cytogenetic location: 17q23.2.
Variant type: single nucleotide variant.
Coding change: c.356A>G on transcript NM_003620.4 (MANE Select); coding-DNA position 356, A replaced by G.
Protein change: p.His119Arg; replaces histidine 119 with arginine.
Molecular consequence: missense variant.
Genome position (GRCh38, 1-based): chr17:60,600,770, A>G. VCF-style: chr17-60600770-A-G. GRCh37 (hg19) VCF-style: chr17-58678131-A-G.
Other names: short protein forms H119R.
Identifiers: ClinVar variation 1031347 (VCV001031347.1), dbSNP rs1402052236, ClinGen allele CA400454982.
Genomic context (GRCh38, chr17:60,600,770, plus strand): 5'-CCTTTTTCGCCGTGTGCGACGGGCACGGCGGGCGGGAGGCGGCACAGTTTGCCCGGGAGC[A>G]CTTGTGGGGTTTCATCAAGAAGCAGAAGGGTTTCACCTCGTCCGAGCCGGCTAAGGTTTG-3'
Protein context (NP_003611.1, residues 109-129): GREAAQFARE[His119Arg]LWGFIKKQKG

ClinVar aggregate classification (germline): Uncertain significance (1 of 4 stars; one submission).

Conditions:
Intellectual developmental disorder with gastrointestinal difficulties and high pain threshold (JDVS). Also called: JANSEN-DE VRIES SYNDROME. Identifiers: Orphanet 653767, MedGen C4479517, MONDO:0044318, OMIM 617450.

Allele frequency attached by ClinVar (database versions not stated): gnomAD exomes below 0.00001; TOPMed 0.00001; gnomAD 0.00002.
gnomAD v4.1: 6 of 1,612,294 alleles (0.00037%); highest among the groups gnomAD compares: Non-Finnish European, 0.00051%; no homozygotes.

Submission:

Baylor Genetics
Classification: Uncertain significance for Intellectual developmental disorder with gastrointestinal difficulties and high pain threshold. Last evaluated: 2018-07-11. Review status: criteria provided, single submitter. Criteria: ACMG Guidelines, 2015. Collection method: clinical testing. Allele origin: paternal. Affected: yes.
Comment: This variant was determined to be of uncertain significance according to ACMG Guidelines, 2015 [PMID:25741868].